The following is an entry in ClinVar:

NM_022168.4(IFIH1):c.1091A>G (p.Asn364Ser)

Gene: IFIH1 (interferon induced with helicase C domain 1; minus strand). Cytogenetic location: 2q24.2.
Variant type: single nucleotide variant.
Coding change: c.1091A>G on transcript NM_022168.4 (MANE Select); coding-DNA position 1091, A replaced by G.
Protein change: p.Asn364Ser; replaces asparagine 364 with serine.
Molecular consequence: missense variant.
Genome position (GRCh38, 1-based): chr2:162,288,139, T>C on the plus strand (A>G on the coding strand, the complement: IFIH1 is on the minus strand). VCF-style: chr2-162288139-T-C. GRCh37 (hg19) VCF-style: chr2-163144649-T-C.
Other names: short protein forms N364S.
Identifiers: ClinVar variation 1350775 (VCV001350775.8), dbSNP rs1410059196, ClinGen allele CA349004451.
Genomic context (GRCh38, chr2:162,288,139, plus strand): 5'-AGTTTCAGAATAATACAATGAAAATGATCAACTAGTGTTATGTGTTCTTTGAATACCTTA[T>C]TGACAAGAACTATAACTTTTCCAGGCTCAGATGCTTTTTTCTTCTTGTCTAAGTGATCCT-3'
Protein context (NP_071451.2, residues 354-374): SEPGKVIVLV[Asn364Ser]KVLLVEQLFR

ClinVar aggregate classification (germline): Uncertain significance (1 of 4 stars; one submission).

Conditions:
Singleton-Merten syndrome 1 (SGMRT1). Also called: Widened medullary cavities of bone, aortic calcification, abnormal dentition, and muscular weakness; Syndrome of widened medullary cavities of the metacarpals and phalanges, aortic calcification and abnormal dentition. Identifiers: Orphanet 85191, MedGen C4225427, MONDO:0024535, OMIM 182250.
Aicardi-Goutieres syndrome 7 (AGS7). Identifiers: Orphanet 51, MedGen C3888244, MONDO:0014367, OMIM 615846.

Allele frequency attached by ClinVar (database versions not stated): gnomAD exomes below 0.00001; TOPMed below 0.00001.

Submission:

Labcorp Genetics (formerly Invitae), Labcorp
Classification: Uncertain significance for Aicardi-Goutieres syndrome 7; Singleton-Merten syndrome 1. Last evaluated: 2021-05-03. Review status: criteria provided, single submitter. Criteria: Invitae Variant Classification Sherloc (09022015). Collection method: clinical testing. Allele origin: germline.
Comment: Algorithms developed to predict the effect of sequence changes on RNA splicing suggest that this variant may create or strengthen a splice site, but this prediction has not been confirmed by published transcriptional studies. Algorithms developed to predict the effect of missense changes on protein structure and function are either unavailable or do not agree on the potential impact of this missense change (SIFT: "Tolerated"; PolyPhen-2: "Probably Damaging"; Align-GVGD: "Class C0"). This variant has not been reported in the literature in individuals with IFIH1-related conditions. This variant is not present in population databases (ExAC no frequency). This sequence change replaces asparagine with serine at codon 364 of the IFIH1 protein (p.Asn364Ser). The asparagine residue is highly conserved and there is a small physicochemical difference between asparagine and serine. In summary, the available evidence is currently insufficient to determine the role of this variant in disease. Therefore, it has been classified as a Variant of Uncertain Significance.